The following is an entry in ClinVar:

ClinVar aggregate classification (germline): Uncertain significance. Review status: criteria provided, multiple submitters, no conflicts (2 of 4 stars). 3 submissions from 3 submitters: Uncertain significance (3). Last evaluated 2026-09-15.

Submissions (3):

GeneDx
Classification: Uncertain significance. Last evaluated: 2026-09-15. Review status: criteria provided, single submitter. Criteria: GeneDx Variant Classification Process June 2021. Collection method: clinical testing. Allele origin: germline.
Comment: Has not been previously published as pathogenic or benign to our knowledge; Frameshift variant predicted to result in abnormal protein length as the last 240 amino acid(s) are replaced with 12 different amino acid(s) with an unclear effect on protein function

Women's Health and Genetics/Laboratory Corporation of America, LabCorp
Classification: Uncertain significance. Last evaluated: 2025-06-13. Review status: criteria provided, single submitter. Criteria: LabCorp Variant Classification Summary - May 2015. Collection method: clinical testing. Allele origin: germline.
Comment: Variant summary: GJB6 c.60_61delinsT (p.Lys22ArgfsX13) results in a premature termination codon, predicted to cause a truncation of the encoded protein or absence of the protein due to nonsense mediated decay, however current evidence is not sufficient to establish loss of function as a mechanism for disease. The variant was absent in 1614078 control chromosomes. The available data on variant occurrences in the general population are insufficient to allow any conclusion about variant significance. To our knowledge, no occurrence of c.60_61delinsT in individuals affected with Hidrotic Ectodermal Dysplasia Syndrome and no experimental evidence demonstrating its impact on protein function have been reported. ClinVar contains an entry for this variant (Variation ID: 45506). Based on the evidence outlined above, the variant was classified as uncertain significance.

Laboratory for Molecular Medicine, Mass General Brigham Personalized Medicine
Classification: Uncertain significance. Last evaluated: 2018-02-21. Review status: criteria provided, single submitter. Criteria: LMM Criteria. Collection method: clinical testing. Allele origin: germline. Observed: 2 variant alleles.
Comment: The Lys22ArgfsX13 variant in GJB6 has not been reported in the literature but wa s submitted to ClinVar by GeneDx (ClinVar Variation ID: 45506). This variant may be represented in the Genome Aggregation Database as two variants (a frameshift and a single nucleotide variant) which have been reported in that database at i dentical frequencies and are likely in cis, with the highest frequency of 0.04% (56/126616) in European chromosomes (gnomAD; d bSNP rs199552278 and rs778513540). This variant is predicted to cause a frameshi ft, which alters the protein's amino acid sequence beginning at codon 22 and lea ds to a premature stop codon 13 codons downstream. This alteration is then predi cted to lead to a truncated or absent protein. However, the role of GJB6 loss of function (LOF) variants in nonsyndromic hearing loss or any phenotype is curren tly unknown. Certain missense variants in GJB6 have previously been associated w ith autosomal dominant hidrotic ectodermal dysplasia (Clouston syndrome) (Lamart ine 2000). However, the only recessive GJB6 variants with sufficient evidence fo r pathogenicity are large deletions that likely delete regulatory elements contr olling GJB2 expression. This is consistent with other overlapping pathogenic del etions that do not impact GJB6 coding sequencing. In summary, it's unknown what phenotype, if any, might be associated with either heterozygous or biallelic los s of function sequence variants in GJB6 and as such, this variant is classified as uncertain significance. ACMG/AMP Criteria applied: None.

Literature cited by the submitters: PubMed 18837651 (cited by Laboratory for Molecular Medicine, Mass General Brigham Personalized Medicine); PubMed 16950989 (cited by Laboratory for Molecular Medicine, Mass General Brigham Personalized Medicine); PubMed 25262649 (cited by Laboratory for Molecular Medicine, Mass General Brigham Personalized Medicine).

NM_001110219.3(GJB6):c.60_61delinsT (p.Lys22fs)

Gene: GJB6 (gap junction protein beta 6; minus strand). Cytogenetic location: 13q12.11.
Variant type: Indel.
Coding change: c.60_61delinsT on transcript NM_001110219.3 (MANE Select); coding-DNA positions 60 to 61, CG replaced by T.
Protein change: p.Lys22fs; shifts the reading frame from lysine 22.
Molecular consequence: frameshift variant.
Genome position (GRCh38, 1-based): chr13:20,223,420-20,223,421, CG replaced by A on the plus strand (CG replaced by T on the coding strand, the reverse complement: GJB6 is on the minus strand). VCF-style: chr13-20223420-CG-A. GRCh37 (hg19) VCF-style: chr13-20797559-CG-A.
Other names: c.60_61delCGinsT (NM_006783.4); c.60_61delinsT, p.Lys22fs (NM_001110220.3, NM_001110221.3, NM_001370090.1 and 3 more transcripts); short protein forms K22fs.
Identifiers: ClinVar variation 45506 (VCV000045506.11), dbSNP rs397517206, ClinGen allele CA261754.
Genomic context (GRCh38, chr13:20,223,420, plus strand): 5'-GGGCAGCCACCACGAGGATCATGACTCGGAAAATAAAGATGACTGTGATCCACACCTTCC[CG>A]ATGCTGGTGGAGTGTTTGTTGACACCCCCGATGAAAGTGTGCAGCGTCCCCCAATCCATT-3'